The following is an entry in ClinVar:

ClinVar aggregate classification (germline): Uncertain significance (1 of 4 stars; one submission).

Allele frequency attached by ClinVar (database versions not stated): gnomAD exomes below 0.00001.
gnomAD v4.1: 1 of 1,610,686 alleles (0.000062%); highest among the groups gnomAD compares: Non-Finnish European, 0.000085%; no homozygotes.

Submission:

Labcorp Genetics (formerly Invitae), Labcorp
Classification: Uncertain significance. Last evaluated: 2025-12-17. Review status: criteria provided, single submitter. Criteria: Invitae Variant Classification Sherloc (09022015). Collection method: clinical testing. Allele origin: germline.
Comment: This sequence change affects an acceptor splice site in intron 1 of the TNFRSF6B gene. It is expected to disrupt RNA splicing. Variants that disrupt the donor or acceptor splice site typically lead to a loss of protein function (PMID: 16199547), however the current clinical and genetic evidence is not sufficient to establish whether loss-of-function variants in TNFRSF6B cause disease. This variant is present in population databases (no rsID available, gnomAD 0.001%). This variant has not been reported in the literature in individuals affected with TNFRSF6B-related conditions. ClinVar contains an entry for this variant (Variation ID: 2705807). Algorithms developed to predict the effect of sequence changes on RNA splicing suggest that this variant may disrupt the consensus splice site. In summary, the available evidence is currently insufficient to determine the role of this variant in disease. Therefore, it has been classified as a Variant of Uncertain Significance.

Literature cited by the submitters: PubMed 16199547.

NM_003823.4(TNFRSF6B):c.425-1G>A

Genes: RTEL1-TNFRSF6B (RTEL1-TNFRSF6B readthrough (NMD candidate); plus strand), TNFRSF6B (TNF receptor superfamily member 6b; plus strand). Cytogenetic location: 20q13.33.
Variant type: single nucleotide variant.
Coding change: c.425-1G>A on transcript NM_003823.4 (MANE Select); the canonical splice acceptor site of the intron before coding-DNA position 425, G replaced by A.
Molecular consequence: splice acceptor variant.
Genome position (GRCh38, 1-based): chr20:63,697,327, G>A. VCF-style: chr20-63697327-G-A. GRCh37 (hg19) VCF-style: chr20-62328680-G-A.
Identifiers: ClinVar variation 2705807 (VCV002705807.3), dbSNP rs1218310399, ClinGen allele CA409711419.